The following is an entry in ClinVar:

ClinVar aggregate classification (germline): Uncertain significance. Review status: criteria provided, multiple submitters, no conflicts (2 of 4 stars). 3 submissions from 3 submitters: Uncertain significance (3). Last evaluated 2025-07-29.

Conditions:
Inborn genetic diseases. Identifiers: MedGen C0950123, MeSH D030342.
Deafness-lymphedema-leukemia syndrome. Also called: Lymphedema, primary, with myelodysplasia; Emberger syndrome. Identifiers: Orphanet 3226, MedGen C3279664, MONDO:0013540, OMIM 614038.
Monocytopenia with susceptibility to infections. Also called: Dendritic cell, monocyte, B lymphocyte, and natural killer lymphocyte deficiency; MONOCYTOPENIA AND MYCOBACTERIAL INFECTION SYNDROME; MONOCYTOPENIA WITH SUSCEPTIBILITY TO MYCOBACTERIAL, FUNGAL, AND PAPILLOMAVIRUS INFECTIONS AND MYELODYSPLASIA; COMBINED IMMUNODEFICIENCY WITH SUSCEPTIBILITY TO MYCOBACTERIAL, VIRAL, AND FUNGAL INFECTIONS; GATA2 DEFICIENCY; IMMUNODEFICIENCY 21. Identifiers: Orphanet 228423, MedGen C3280030, MONDO:0013607, OMIM 614172.
Acute myeloid leukemia (AML). Also called: Acute myeloid leukemia, adult; AML adult; Acute non-lymphocytic leukemia; Acute granulocytic leukemia; Leukemia, acute myelogenous, somatic; Leukemia, acute myeloid, somatic. Identifiers: Orphanet 519, MedGen C0023467, MeSH D015470, MONDO:0018874, OMIM 601626, HP:0004808. Disease mechanism: Constitutively activated FLT3.

Allele frequency attached by ClinVar (database versions not stated): TOPMed below 0.00001.

Submissions (3):

Ambry Genetics
Classification: Uncertain significance for Inborn genetic diseases. Last evaluated: 2025-07-29. Review status: criteria provided, single submitter. Criteria: Ambry Variant Classification Scheme 2023. Collection method: clinical testing. Allele origin: germline.
Comment: The p.A103V variant (also known as c.308C>T), located in coding exon 2 of the GATA2 gene, results from a C to T substitution at nucleotide position 308. The alanine at codon 103 is replaced by valine, an amino acid with similar properties. This amino acid position is well conserved in available vertebrate species. In addition, the in silico prediction for this alteration is inconclusive. Based on the available evidence, the clinical significance of this variant remains unclear.

Labcorp Genetics (formerly Invitae), Labcorp
Classification: Uncertain significance for Monocytopenia with susceptibility to infections; Deafness-lymphedema-leukemia syndrome. Last evaluated: 2025-03-10. Review status: criteria provided, single submitter. Criteria: Invitae Variant Classification Sherloc (09022015). Collection method: clinical testing. Allele origin: germline.
Comment: This sequence change replaces alanine, which is neutral and non-polar, with valine, which is neutral and non-polar, at codon 103 of the GATA2 protein (p.Ala103Val). This variant is not present in population databases (gnomAD no frequency). This missense change has been observed in individual(s) with myelodysplastic syndrome (PMID: 37216690). ClinVar contains an entry for this variant (Variation ID: 966034). Invitae Evidence Modeling of protein sequence and biophysical properties (such as structural, functional, and spatial information, amino acid conservation, physicochemical variation, residue mobility, and thermodynamic stability) indicates that this missense variant is not expected to disrupt GATA2 protein function with a negative predictive value of 95%. In summary, the available evidence is currently insufficient to determine the role of this variant in disease. Therefore, it has been classified as a Variant of Uncertain Significance.

Malcovati Lab, University of Pavia
Classification: Uncertain significance for Acute myeloid leukemia. Last evaluated: 2020-09-03. Review status: criteria provided, single submitter. Criteria: ACMG Guidelines, 2015. Collection method: research. Allele origin: germline. Inheritance: Autosomal dominant inheritance. Observed: 1 heterozygote.

Literature cited by the submitters: PubMed 37216690 (cited by Labcorp Genetics (formerly Invitae), Labcorp).

NM_032638.5(GATA2):c.308C>T (p.Ala103Val)

Gene: GATA2 (GATA binding protein 2; minus strand). Cytogenetic location: 3q21.3.
Variant type: single nucleotide variant.
Coding change: c.308C>T on transcript NM_032638.5 (MANE Select); coding-DNA position 308, C replaced by T.
Protein change: p.Ala103Val; replaces alanine 103 with valine.
Molecular consequence: missense variant.
Genome position (GRCh38, 1-based): chr3:128,486,290, G>A on the plus strand (C>T on the coding strand, the complement: GATA2 is on the minus strand). VCF-style: chr3-128486290-G-A. GRCh37 (hg19) VCF-style: chr3-128205133-G-A.
Other names: c.308C>T, p.Ala103Val (NM_001145662.1, NM_001145661.2); short protein forms A103V.
Identifiers: ClinVar variation 966034 (VCV000966034.12), dbSNP rs2068698528, ClinGen allele CA354407429.